The following is an entry in ClinVar:

NM_033453.4(ITPA):c.403del (p.Arg135fs)

Genes: ITPA (inosine triphosphatase; plus strand), LOC130065322 (ATAC-STARR-seq lymphoblastoid silent region 12615; plus strand). Cytogenetic location: 20p13.
Variant type: Deletion.
Coding change: c.403del on transcript NM_033453.4 (MANE Select); coding-DNA position 403, one base deleted (C; older notation c.403delC).
Protein change: p.Arg135fs; shifts the reading frame from arginine 135.
Molecular consequence: frameshift variant. On other transcripts: non-coding transcript variant (2).
Genome position (GRCh38, 1-based): chr20:3,218,624, C deleted; the last of 2 consecutive C bases (chr20:3,218,623-3,218,624); deleting either gives the same sequence. VCF-style (leftmost placement, unchanged base first): chr20-3218622-GC-G. GRCh37 (hg19) VCF-style: chr20-3199268-GC-G.
Other names: c.280del, p.Arg94fs (NM_001267623.2); c.66del, p.Gly23fs (NM_001324236.2, NM_001324237.2, NM_001324238.2 and 1 more transcripts); c.403del, p.Arg135fs (NM_001324240.2, NM_001424408.1); c.529del, p.Arg177fs (NM_001424409.1); c.352del, p.Arg118fs (NM_181493.4); short protein forms R94fs, G23fs, R118fs, R135fs, R177fs.
Identifiers: ClinVar variation 2075083 (VCV002075083.5), dbSNP rs2514460185, ClinGen allele CA2577323751.

ClinVar aggregate classification (germline): Pathogenic/Likely pathogenic. Review status: criteria provided, multiple submitters, no conflicts (2 of 4 stars). 2 submissions from 2 submitters: Pathogenic (1); Likely pathogenic (1). Last evaluated 2022-05-07.

Conditions:
Inborn genetic diseases. Identifiers: MedGen C0950123, MeSH D030342.
Inosine triphosphatase deficiency. Also called: INOSINE TRIPHOSPHATE PYROPHOSPHOHYDROLASE DEFICIENCY. Identifiers: MedGen C0342800, MONDO:0013461, OMIM 613850.

Submissions (2):

Labcorp Genetics (formerly Invitae), Labcorp
Classification: Pathogenic for Inosine triphosphatase deficiency. Last evaluated: 2022-05-07. Review status: criteria provided, single submitter. Criteria: Invitae Variant Classification Sherloc (09022015). Collection method: clinical testing. Allele origin: germline.
Comment: For these reasons, this variant has been classified as Pathogenic. This variant disrupts a region of the ITPA protein in which other variant(s) (p.Trp151*) have been determined to be pathogenic (PMID: 26224535, 30856165). This suggests that this is a clinically significant region of the protein, and that variants that disrupt it are likely to be disease-causing. This variant has not been reported in the literature in individuals affected with ITPA-related conditions. This variant is not present in population databases (gnomAD no frequency). This sequence change results in a frameshift in the ITPA gene (p.Arg135Glyfs*89). While this is not anticipated to result in nonsense mediated decay, it is expected to disrupt the last 60 amino acid(s) of the ITPA protein and extend the protein by 28 additional amino acid residues.

Ambry Genetics
Classification: Likely pathogenic for Inborn genetic diseases. Last evaluated: 2022-02-08. Review status: criteria provided, single submitter. Criteria: Ambry Variant Classification Scheme 2023. Collection method: clinical testing. Allele origin: germline.
Comment: The c.403delC (p.R135Gfs*89) alteration, located in exon 6 (coding exon 6) of the ITPA gene, consists of a deletion of one nucleotide at position 403, causing a translational frameshift with a predicted alternate stop codon after 89 amino acids. This alteration occurs at the 3' terminus of the ITPA gene, is not expected to trigger nonsense-mediated mRNA decay, and impacts the last 30% (60 amino acids) of the protein. Premature stop codons are typically deleterious in nature and a significant portion of the protein is affected (Ambry internal data). This variant was not reported in population-based cohorts in the Genome Aggregation Database (gnomAD). Based on the available evidence, this alteration is classified as likely pathogenic.

Literature cited by the submitters: PubMed 26224535 (cited by Labcorp Genetics (formerly Invitae), Labcorp); PubMed 30856165 (cited by Labcorp Genetics (formerly Invitae), Labcorp).